The following is an entry in ClinVar:

ClinVar aggregate classification (germline): Uncertain significance (1 of 4 stars; one submission).

Conditions:
Duchenne muscular dystrophy (DMD). Also called: MUSCULAR DYSTROPHY, PSEUDOHYPERTROPHIC PROGRESSIVE, DUCHENNE TYPE; Duchenne Muscular Dystrophy (DMD). Identifiers: Orphanet 98896, MedGen C0013264, MONDO:0010679, OMIM 310200.

Allele frequency attached by ClinVar (database versions not stated): ESP Exome Variant Server 0.00009.
gnomAD v4.1: 15 of 1,204,920 alleles (0.0012%); highest among the groups gnomAD compares: East Asian, 0.0089%; no homozygotes.

Submission:

Labcorp Genetics (formerly Invitae), Labcorp
Classification: Uncertain significance for Duchenne muscular dystrophy. Last evaluated: 2025-10-22. Review status: criteria provided, single submitter. Criteria: Invitae Variant Classification Sherloc (09022015). Collection method: clinical testing. Allele origin: germline.
Comment: This sequence change replaces serine, which is neutral and polar, with tryptophan, which is neutral and slightly polar, at codon 1125 of the DMD protein (p.Ser1125Trp). The frequency data for this variant in the population databases is considered unreliable, as metrics indicate poor data quality at this position in the gnomAD database. This variant has not been reported in the literature in individuals affected with DMD-related conditions. ClinVar contains an entry for this variant (Variation ID: 2165645). Invitae Evidence Modeling of protein sequence and biophysical properties (such as structural, functional, and spatial information, amino acid conservation, physicochemical variation, residue mobility, and thermodynamic stability) indicates that this missense variant is not expected to disrupt DMD protein function with a negative predictive value of 95%. In summary, the available evidence is currently insufficient to determine the role of this variant in disease. Therefore, it has been classified as a Variant of Uncertain Significance.

NM_004006.3(DMD):c.3374C>G (p.Ser1125Trp)

Gene: DMD (dystrophin; minus strand). Cytogenetic location: Xp21.1.
Variant type: single nucleotide variant.
Coding change: c.3374C>G on transcript NM_004006.3 (MANE Select); coding-DNA position 3374, C replaced by G.
Protein change: p.Ser1125Trp; replaces serine 1125 with tryptophan.
Molecular consequence: missense variant.
Genome position (GRCh38, 1-based): chrX:32,463,497, G>C on the plus strand (C>G on the coding strand, the complement: DMD is on the minus strand). VCF-style: chrX-32463497-G-C. GRCh37 (hg19) VCF-style: chrX-32481614-G-C.
Other names: c.3350C>G, p.Ser1117Trp (NM_000109.4); c.3362C>G, p.Ser1121Trp (NM_004009.3); c.3005C>G, p.Ser1002Trp (NM_004010.3); short protein forms S1002W, S1125W, S1117W, S1121W.
Identifiers: ClinVar variation 2165645 (VCV002165645.2), dbSNP rs374744331, ClinGen allele CA328001859.